The following is an entry in ClinVar:

NM_002775.5(HTRA1):c.815A>T (p.Glu272Val)

Gene: HTRA1 (HtrA serine peptidase 1; plus strand). Cytogenetic location: 10q26.13.
Variant type: single nucleotide variant.
Coding change: c.815A>T on transcript NM_002775.5 (MANE Select); coding-DNA position 815, A replaced by T.
Protein change: p.Glu272Val; replaces glutamic acid 272 with valine.
Molecular consequence: missense variant.
Genome position (GRCh38, 1-based): chr10:122,506,728, A>T. VCF-style: chr10-122506728-A-T. GRCh37 (hg19) VCF-style: chr10-124266244-A-T.
Other names: c.815A>T (NM_002775.4); short protein forms E272V.
Identifiers: ClinVar variation 4909853 (VCV004909853.2).

ClinVar aggregate classification (germline): Uncertain significance. Review status: criteria provided, multiple submitters, no conflicts (2 of 4 stars). 2 submissions from 2 submitters: Uncertain significance (2). Last evaluated 2025-06-19.

Conditions:
HTRA1-related disorder. Also called: HTRA1-related condition.

gnomAD v4.1: 98 of 1,613,464 alleles (0.0061%); highest among the groups gnomAD compares: Non-Finnish European, 0.008%; no homozygotes.

Submissions (2):

PreventionGenetics, part of Exact Sciences
Classification: Uncertain significance for HTRA1-related condition. Last evaluated: 2025-06-19. Review status: criteria provided, single submitter. Criteria: ACMG Guidelines, 2015. Collection method: clinical testing. Allele origin: germline.
Comment: The HTRA1 c.815A>T variant is predicted to result in the amino acid substitution p.Glu272Val. To our knowledge, this variant has not been reported in the literature. This variant is reported in 0.0062% of alleles in individuals of African descent in gnomAD. At this time, the clinical significance of this variant is uncertain due to the absence of conclusive functional and genetic evidence.

Blueprint Genetics
Classification: Uncertain significance. Last evaluated: 2023-05-05. Review status: criteria provided, single submitter. Criteria: ACMG Guidelines, 2015. Collection method: clinical testing. Allele origin: germline.